The following is an entry in ClinVar:

NM_004004.6(GJB2):c.453_460delinsAGAGAAGAC (p.Met151fs)

Gene: GJB2 (gap junction protein beta 2; minus strand). Cytogenetic location: 13q12.11.
Variant type: Indel.
Coding change: c.453_460delinsAGAGAAGAC on transcript NM_004004.6 (MANE Select); coding-DNA positions 453 to 460, GTACGTCT replaced by AGAGAAGAC.
Protein change: p.Met151fs; shifts the reading frame from methionine 151.
Molecular consequence: frameshift variant.
Genome position (GRCh38, 1-based): chr13:20,189,122-20,189,129, AGACGTAC replaced by GTCTTCTCT on the plus strand (GTACGTCT replaced by AGAGAAGAC on the coding strand, the reverse complement: GJB2 is on the minus strand). VCF-style: chr13-20189122-AGACGTAC-GTCTTCTCT. GRCh37 (hg19) VCF-style: chr13-20763261-AGACGTAC-GTCTTCTCT.
Other names: short protein forms M151fs.
Identifiers: ClinVar variation 2030063 (VCV002030063.4), dbSNP rs2500250149, ClinGen allele CA2580086788.
Genomic context (GRCh38, chr13:20,189,122, plus strand): 5'-AAGGCCAGGCGTTGCACTTCACCAGCCGCTGCATGGAGAAGCCGTCGTACATGACATAGA[AGACGTAC>GTCTTCTCT]ATGAAGGCGGCTTCGAAGATGACCCGGAAGAAGATGCTGCTTGTGTAGGTCCACCACAGG-3'

ClinVar aggregate classification (germline): Pathogenic (1 of 4 stars; one submission).

Submission:

Labcorp Genetics (formerly Invitae), Labcorp
Classification: Pathogenic. Last evaluated: 2022-09-11. Review status: criteria provided, single submitter. Criteria: Invitae Variant Classification Sherloc (09022015). Collection method: clinical testing. Allele origin: germline.
Comment: This variant has not been reported in the literature in individuals affected with GJB2-related conditions. For these reasons, this variant has been classified as Pathogenic. This variant disrupts a region of the GJB2 protein in which other variant(s) (p.Leu213*) have been determined to be pathogenic (PMID: 23141775). This suggests that this is a clinically significant region of the protein, and that variants that disrupt it are likely to be disease-causing. This variant is not present in population databases (gnomAD no frequency). This sequence change creates a premature translational stop signal (p.Met151Ilefs*59) in the GJB2 gene. While this is not anticipated to result in nonsense mediated decay, it is expected to disrupt the last 76 amino acid(s) of the GJB2 protein.

Literature cited by the submitters: PubMed 23141775.